The following is an entry in ClinVar:

ClinVar aggregate classification (germline): Conflicting classifications of pathogenicity. Review status: criteria provided, conflicting classifications (1 of 4 stars). 2 submissions from 2 submitters: Likely pathogenic (1); Uncertain significance (1). Last evaluated 2025-12-22.

Conditions:
Multiple endocrine neoplasia, type 1 (MEN1). Also called: Endocrine adenomatosis multiple; MEN 1; WERMER SYNDROME; MEA I; MEN I. Identifiers: Orphanet 652, MedGen C0025267, MeSH D018761, MONDO:0007540, OMIM 131100.

Allele frequency attached by ClinVar (database versions not stated): gnomAD exomes below 0.00001; TOPMed below 0.00001; ExAC 0.00001.
gnomAD v4.1: 1 of 1,614,180 alleles (0.000062%); highest among the groups gnomAD compares: Non-Finnish European, 0.000085%; no homozygotes.

Submissions (2):

Labcorp Genetics (formerly Invitae), Labcorp
Classification: Likely pathogenic for Multiple endocrine neoplasia, type 1. Last evaluated: 2025-12-22. Review status: criteria provided, single submitter. Criteria: Invitae Variant Classification Sherloc (09022015). Collection method: clinical testing. Allele origin: germline.
Comment: This sequence change replaces glutamine, which is neutral and polar, with arginine, which is basic and polar, at codon 141 of the MEN1 protein (p.Gln141Arg). This variant is present in population databases (rs758846538, gnomAD 0.0009%). This missense change has been observed in individual(s) with multiple endocrine neoplasia type 1 (PMID: 37484956). ClinVar contains an entry for this variant (Variation ID: 1023209). Invitae Evidence Modeling of protein sequence and biophysical properties (such as structural, functional, and spatial information, amino acid conservation, physicochemical variation, residue mobility, and thermodynamic stability) indicates that this missense variant is expected to disrupt MEN1 protein function with a positive predictive value of 95%. Experimental studies have shown that this missense change affects MEN1 function (PMID: 35941657). This variant disrupts the p.Gln141 amino acid residue in MEN1. Other variant(s) that disrupt this residue have been determined to be pathogenic (internal data). This suggests that this residue is clinically significant, and that variants that disrupt this residue are likely to be disease-causing. In summary, the currently available evidence indicates that the variant is pathogenic, but additional data are needed to prove that conclusively. Therefore, this variant has been classified as Likely Pathogenic.

Color Diagnostics, LLC DBA Color Health
Classification: Uncertain significance for Multiple endocrine neoplasia, type 1. Last evaluated: 2025-07-16. Review status: criteria provided, single submitter. Criteria: ACMG Guidelines, 2015. Collection method: clinical testing. Allele origin: germline.
Comment: This missense variant replaces glutamine with arginine at codon 141 in the thumb domain of the MEN1 protein (PMID: 32937789). Computational prediction suggests that this variant may have deleterious impact on protein structure and function. A protein structure study indicated that glutamine (Q) 141 may line the MLL binding pocket in the MEN1 protein (PMID: 21757704). A functional study has reported that this variant strongly reduced interactions with MLL1/MLL2 and JunD (PMID: 35941657). This variant has been reported as a germline mutation in two individuals affected with MEN1-associated primary hyperparathyroidism, prolactinoma, and non-endocrine manifestations (PMID: 9820618, 37484956) and as a somatic mutation in sporadic gastrinoma (PMID: 9766672, 10730900). A different missense substitution at this codon, c.422A>T (p.Gln141Leu), has been reported as disease-causing in ClinVar with description of internal cases (variation ID: 2795917), and multiple adjacent missense variants also have been reported as disease-causing at positions, p.His139, p.Ser142, p.Leu143, p.Phe144 (ClinVar variation ID: 16699, 36529, 428056, 428091, 952776, 1677022, 2137150, 2450225, 2504624, 3294203, 3634209). This variant has been identified in 1/251414 chromosomes in the general population by the Genome Aggregation Database (gnomAD). Although there is a suspicion that this variant may be associated with disease, additional studies are necessary to determine the role of this variant in disease conclusively. Therefore, this variant is classified as a Variant of Uncertain Significance.

Literature cited by the submitters: PubMed 37484956 (cited by Labcorp Genetics (formerly Invitae), Labcorp and Color Diagnostics, LLC DBA Color Health); PubMed 35941657 (cited by Labcorp Genetics (formerly Invitae), Labcorp and Color Diagnostics, LLC DBA Color Health); PubMed 9766672 (cited by Color Diagnostics, LLC DBA Color Health); PubMed 9820618 (cited by Color Diagnostics, LLC DBA Color Health); PubMed 10730900 (cited by Color Diagnostics, LLC DBA Color Health); PubMed 21757704 (cited by Color Diagnostics, LLC DBA Color Health); PubMed 32937789 (cited by Color Diagnostics, LLC DBA Color Health).

NM_001370259.2(MEN1):c.422A>G (p.Gln141Arg)

Gene: MEN1 (menin 1; minus strand). Cytogenetic location: 11q13.1.
Variant type: single nucleotide variant.
Coding change: c.422A>G on transcript NM_001370259.2 (MANE Select); coding-DNA position 422, A replaced by G.
Protein change: p.Gln141Arg; replaces glutamine 141 with arginine.
Molecular consequence: missense variant.
Genome position (GRCh38, 1-based): chr11:64,809,688, T>C on the plus strand (A>G on the coding strand, the complement: MEN1 is on the minus strand). VCF-style: chr11-64809688-T-C. GRCh37 (hg19) VCF-style: chr11-64577160-T-C.
Other names: c.422A>G, p.Gln141Arg (NM_000244.4, NM_001370251.2, NM_001370260.2 and 9 more transcripts); c.422A>G (NM_130799.2); short protein forms Q141R.
Identifiers: ClinVar variation 1023209 (VCV001023209.6), dbSNP rs758846538, ClinGen allele CA061129.